The following is an entry in ClinVar:

NM_003542.4(H4C3):c.105T>C (p.Ile35=)

Gene: H4C3 (H4 clustered histone 3; plus strand). Cytogenetic location: 6p22.2.
Variant type: single nucleotide variant.
Coding change: c.105T>C on transcript NM_003542.4 (MANE Select); coding-DNA position 105, T replaced by C.
Protein change: p.Ile35=; no amino-acid change (isoleucine 35 retained).
Molecular consequence: synonymous variant.
Genome position (GRCh38, 1-based): chr6:26,104,052, T>C. VCF-style: chr6-26104052-T-C. GRCh37 (hg19) VCF-style: chr6-26104280-T-C.
Identifiers: ClinVar variation 1243107 (VCV001243107.5), dbSNP rs2229768, ClinGen allele CA3666931.

ClinVar aggregate classification (germline): Benign. Review status: criteria provided, multiple submitters, no conflicts (2 of 4 stars). 3 submissions from 3 submitters: Benign (2). 1 of the submissions does not count toward it. Last evaluated 2024-11-27.

Conditions:
H4C3-related disorder. Also called: H4C3-related condition.

Allele frequency attached by ClinVar (database versions not stated): 1000 Genomes Project 30x 0.17505; 1000 Genomes Project 0.17592; gnomAD exomes 0.18142; ExAC 0.18384; TOPMed 0.21255; gnomAD 0.21360 and 0.22072; ESP Exome Variant Server 0.22697.

Submissions (3):

Blueprint Genetics
Classification: Benign. Last evaluated: 2024-11-27. Review status: criteria provided, single submitter. Criteria: ACMG Guidelines, 2015. Collection method: clinical testing. Allele origin: germline.

GeneDx
Classification: Benign. Last evaluated: 2020-07-13. Review status: criteria provided, single submitter. Criteria: GeneDx Variant Classification Process June 2021. Collection method: clinical testing. Allele origin: germline. Affected: yes.

PreventionGenetics, part of Exact Sciences
Classification: Benign for H4C3-related condition. Last evaluated: 2019-10-22. Review status: no assertion criteria provided. Collection method: clinical testing. Allele origin: germline. Not counted in ClinVar's aggregate classification.
Comment: This variant is classified as benign based on ACMG/AMP sequence variant interpretation guidelines (Richards et al. 2015 PMID: 25741868, with internal and published modifications).